The following is an entry in ClinVar:

ClinVar aggregate classification (germline): Likely pathogenic (1 of 4 stars; one submission).

Conditions:
Bardet-Biedl syndrome (BBS). Identifiers: Orphanet 110, MedGen C0752166, MONDO:0015229.

Submission:

Labcorp Genetics (formerly Invitae), Labcorp
Classification: Likely pathogenic for Bardet-Biedl syndrome. Last evaluated: 2020-10-29. Review status: criteria provided, single submitter. Criteria: Invitae Variant Classification Sherloc (09022015). Collection method: clinical testing. Allele origin: germline.
Comment: In summary, the currently available evidence indicates that the variant is pathogenic, but additional data are needed to prove that conclusively. Therefore, this variant has been classified as Likely Pathogenic. This variant has not been reported in the literature in individuals with BBS9-related conditions. This variant results in a copy number gain of the genomic region encompassing exon(s) 4 of the BBS9 gene. While the exact position of this variant cannot be determined from the data, sub-genic copy number gains are generally in tandem (PMID: 25640679). This variant is predicted to be out-of-frame, and may result in an absent or disrupted protein product. Loss-of-function variants in BBS9 are known to be pathogenic (PMID: 16380913, 20177705).

Literature cited by the submitters: PubMed 25640679; PubMed 16380913; PubMed 20177705.

NC_000007.13:g.(?_33195240)_(33195324_?)dup

Gene: BBS9 (Bardet-Biedl syndrome 9; plus strand). Cytogenetic location: 7p14.3.
Variant type: Duplication.
Identifiers: ClinVar variation 1349000 (VCV001349000.4).